The following is an entry in ClinVar:

ClinVar aggregate classification (germline): Uncertain significance (1 of 4 stars; one submission).

Conditions:
Familial episodic pain syndrome with predominantly lower limb involvement. Also called: Episodic pain syndrome, familial, 3. Identifiers: Orphanet 391384, Orphanet 391392, MedGen C3809899, MONDO:0014247, OMIM 615552.
Hereditary sensory and autonomic neuropathy type 7. Also called: HSAN VII; Neuropathy, hereditary sensory and autonomic, type VII. Identifiers: Orphanet 391397, MedGen C3809882, MONDO:0014244, OMIM 615548.

Submission:

Labcorp Genetics (formerly Invitae), Labcorp
Classification: Uncertain significance for Familial episodic pain syndrome with predominantly lower limb involvement; Hereditary sensory and autonomic neuropathy type 7. Last evaluated: 2025-02-12. Review status: criteria provided, single submitter. Criteria: Invitae Variant Classification Sherloc (09022015). Collection method: clinical testing. Allele origin: germline.
Comment: This sequence change replaces valine, which is neutral and non-polar, with aspartic acid, which is acidic and polar, at codon 1238 of the SCN11A protein (p.Val1238Asp). This variant is not present in population databases (gnomAD no frequency). This variant has not been reported in the literature in individuals affected with SCN11A-related conditions. Invitae Evidence Modeling of protein sequence and biophysical properties (such as structural, functional, and spatial information, amino acid conservation, physicochemical variation, residue mobility, and thermodynamic stability) indicates that this missense variant is expected to disrupt SCN11A protein function with a positive predictive value of 80%. In summary, the available evidence is currently insufficient to determine the role of this variant in disease. Therefore, it has been classified as a Variant of Uncertain Significance.

NM_001349253.2(SCN11A):c.3713T>A (p.Val1238Asp)

Genes: SCN11A (sodium voltage-gated channel alpha subunit 11; minus strand), LOC126806652 (CDK7 strongly-dependent group 2 enhancer GRCh37_chr3:38912374-38913573; plus strand). Cytogenetic location: 3p22.2.
Variant type: single nucleotide variant.
Coding change: c.3713T>A on transcript NM_001349253.2 (MANE Select); coding-DNA position 3713, T replaced by A.
Protein change: p.Val1238Asp; replaces valine 1238 with aspartic acid.
Molecular consequence: missense variant.
Genome position (GRCh38, 1-based): chr3:38,871,491, A>T on the plus strand (T>A on the coding strand, the complement: SCN11A is on the minus strand). VCF-style: chr3-38871491-A-T. GRCh37 (hg19) VCF-style: chr3-38912982-A-T.
Other names: c.3713T>A, p.Val1238Asp (NM_014139.3); short protein forms V1238D.
Identifiers: ClinVar variation 4783410 (VCV004783410.1).